The following is an entry in ClinVar:

ClinVar aggregate classification (germline): Conflicting classifications of pathogenicity. Review status: criteria provided, conflicting classifications (1 of 4 stars). 3 submissions from 3 submitters: Uncertain significance (2); Likely benign (1). Last evaluated 2026-06-24.

Conditions:
NPHP4-related disorder. Also called: NPHP4-related condition; NPHP4-related disorders. Identifiers: MedGen CN239384.
Nephronophthisis. Also called: Juvenile Nephronophthisis. Identifiers: Orphanet 655, MedGen C0687120, MONDO:0019005, HP:0000090.

Allele frequency attached by ClinVar (database versions not stated): gnomAD exomes 0.00008 and 0.00018; gnomAD 0.00010 and 0.00011; TOPMed 0.00010; ExAC 0.00032.

Submissions (3):

PreventionGenetics, part of Exact Sciences
Classification: Uncertain significance for NPHP4-related condition. Last evaluated: 2026-06-24. Review status: criteria provided, single submitter. Criteria: ACMG Guidelines, 2015. Collection method: clinical testing. Allele origin: germline.
Comment: The NPHP4 c.3850C>T variant is predicted to result in the amino acid substitution p.Arg1284Cys. This variant was reported in an individual with nephronophthisis; however, a second potentially causative variant was not detected (Hoefele et al. 2005. PubMed ID: 15776426). This variant was also detected in a cohort of individuals with developmental delay (supplementary data, Kaplanis et al. 2020. PubMed ID: 33057194). However, this variant is reported in 0.26% of alleles in individuals of Ashkenazi Jewish descent in gnomAD, which is likely too frequent to be a primary cause of disease. Although we suspect that this variant may be benign, at this time, the clinical significance of this variant is uncertain due to the absence of conclusive functional and genetic evidence.

Labcorp Genetics (formerly Invitae), Labcorp
Classification: Likely benign for Nephronophthisis. Last evaluated: 2025-11-25. Review status: criteria provided, single submitter. Criteria: Invitae Variant Classification Sherloc (09022015). Collection method: clinical testing. Allele origin: germline.

Eurofins Ntd Llc (ga)
Classification: Uncertain significance. Last evaluated: 2018-05-08. Review status: criteria provided, single submitter. Criteria: EGL ClinVar v180209 classification definitions. Collection method: clinical testing. Allele origin: germline. Observed: 2 variant alleles, 2 heterozygotes.

Literature cited by the submitters: PubMed 15776426 (cited by Eurofins Ntd Llc (ga)).

NM_015102.5(NPHP4):c.3850C>T (p.Arg1284Cys)

Gene: NPHP4 (nephrocystin 4; minus strand). Cytogenetic location: 1p36.31.
Variant type: single nucleotide variant.
Coding change: c.3850C>T on transcript NM_015102.5 (MANE Select); coding-DNA position 3850, C replaced by T.
Protein change: p.Arg1284Cys; replaces arginine 1284 with cysteine.
Molecular consequence: missense variant. On other transcripts: non-coding transcript variant (1).
Genome position (GRCh38, 1-based): chr1:5,864,484, G>A on the plus strand (C>T on the coding strand, the complement: NPHP4 is on the minus strand). VCF-style: chr1-5864484-G-A. GRCh37 (hg19) VCF-style: chr1-5924544-G-A.
Other names: c.2311C>T, p.Arg771Cys (NM_001291593.2); c.2314C>T, p.Arg772Cys (NM_001291594.2); short protein forms R1284C, R771C, R772C.
Identifiers: ClinVar variation 597140 (VCV000597140.16), dbSNP rs779755743, ClinGen allele CA553439.